The following is an entry in ClinVar:

ClinVar aggregate classification (germline): Pathogenic. Review status: criteria provided, single submitter (1 of 4 stars). 2 submissions from 2 submitters: Pathogenic (1). 1 of the submissions does not count toward it. Last evaluated 2025-08-11.

Conditions:
Familial long QT syndrome (RWS). Also called: Congenital long QT syndrome; Romano-Ward syndrome; VENTRICULAR FIBRILLATION WITH PROLONGED QT INTERVAL. Identifiers: Orphanet 768, MedGen C1141890, MONDO:0019171.
Long QT syndrome (LQTS). Identifiers: MedGen C0023976, MeSH D008133, MONDO:0002442. Disease mechanism: loss of function. Inheritance: Various modes of inheritance.

Submissions (2):

Labcorp Genetics (formerly Invitae), Labcorp
Classification: Pathogenic for Long QT syndrome. Last evaluated: 2025-08-11. Review status: criteria provided, single submitter. Criteria: Invitae Variant Classification Sherloc (09022015). Collection method: clinical testing. Allele origin: germline.
Comment: This sequence change replaces leucine, which is neutral and non-polar, with proline, which is neutral and non-polar, at codon 191 of the KCNQ1 protein (p.Leu191Pro). This variant is not present in population databases (gnomAD no frequency). This missense change has been observed in individual(s) with long QT Syndrome (PMID: 12442276). It has also been observed to segregate with disease in related individuals. ClinVar contains an entry for this variant (Variation ID: 53071). Invitae Evidence Modeling of protein sequence and biophysical properties (such as structural, functional, and spatial information, amino acid conservation, physicochemical variation, residue mobility, and thermodynamic stability) indicates that this missense variant is expected to disrupt KCNQ1 protein function with a positive predictive value of 95%. Experimental studies have shown that this missense change affects KCNQ1 function (PMID: 19041715). For these reasons, this variant has been classified as Pathogenic.

Cardiovascular Biomedical Research Unit, Royal Brompton & Harefield NHS Foundation Trust
No classification provided. Condition: Familial long QT syndrome. Review status: no classification provided. Collection method: literature only. Allele origin: germline. Not counted in ClinVar's aggregate classification.
Comment: This variant has been reported as associated with Long QT syndrome in the following publications (PMID:12442276;PMID:19041715). This is a literature report, and does not necessarily reflect the clinical interpretation of the Imperial College / Royal Brompton Cardiovascular Genetics laboratory.

Literature cited by the submitters: PubMed 12442276 (cited by Labcorp Genetics (formerly Invitae), Labcorp and Cardiovascular Biomedical Research Unit, Royal Brompton & Harefield NHS Foundation Trust); PubMed 19041715 (cited by Labcorp Genetics (formerly Invitae), Labcorp and Cardiovascular Biomedical Research Unit, Royal Brompton & Harefield NHS Foundation Trust); PubMed 22581653 (cited by Cardiovascular Biomedical Research Unit, Royal Brompton & Harefield NHS Foundation Trust).

NM_000218.3(KCNQ1):c.572T>C (p.Leu191Pro)

Gene: KCNQ1 (potassium voltage-gated channel subfamily Q member 1; plus strand). Cytogenetic location: 11p15.5.
Variant type: single nucleotide variant.
Coding change: c.572T>C on transcript NM_000218.3 (MANE Select); coding-DNA position 572, T replaced by C.
Protein change: p.Leu191Pro; replaces leucine 191 with proline.
Molecular consequence: missense variant.
Genome position (GRCh38, 1-based): chr11:2,570,722, T>C. VCF-style: chr11-2570722-T-C. GRCh37 (hg19) VCF-style: chr11-2591952-T-C.
Other names: c.572T>C (LRG_287t1); c.572T>C, p.Leu191Pro (NM_001406836.1); c.302T>C, p.Leu101Pro (NM_001406837.1); c.191T>C, p.Leu64Pro (NM_181798.2); short protein forms L191P, L64P, L101P.
Identifiers: ClinVar variation 53071 (VCV000053071.4), dbSNP rs199473401, ClinGen allele CA007572.